The following is an entry in ClinVar:

NM_004795.4(KL):c.928G>A (p.Asp310Asn)

Gene: KL (klotho; plus strand). Cytogenetic location: 13q13.1.
Variant type: single nucleotide variant.
Coding change: c.928G>A on transcript NM_004795.4 (MANE Select); coding-DNA position 928, G replaced by A.
Protein change: p.Asp310Asn; replaces aspartic acid 310 with asparagine.
Molecular consequence: missense variant.
Genome position (GRCh38, 1-based): chr13:33,053,875, G>A. VCF-style: chr13-33053875-G-A. GRCh37 (hg19) VCF-style: chr13-33628012-G-A.
Other names: short protein forms D310N.
Identifiers: ClinVar variation 2956787 (VCV002956787.3), dbSNP rs200265487, ClinGen allele CA6943999.

ClinVar aggregate classification (germline): Uncertain significance (1 of 4 stars; one submission).

Allele frequency attached by ClinVar (database versions not stated): TOPMed 0.00002; gnomAD exomes 0.00004; gnomAD 0.00005; ExAC 0.00008; 1000 Genomes Project 30x 0.00016; 1000 Genomes Project 0.00020.

Submission:

Labcorp Genetics (formerly Invitae), Labcorp
Classification: Uncertain significance. Last evaluated: 2023-08-09. Review status: criteria provided, single submitter. Criteria: Invitae Variant Classification Sherloc (09022015). Collection method: clinical testing. Allele origin: germline.
Comment: This sequence change replaces aspartic acid, which is acidic and polar, with asparagine, which is neutral and polar, at codon 310 of the KL protein (p.Asp310Asn). This variant is present in population databases (rs200265487, gnomAD 0.04%). This variant has not been reported in the literature in individuals affected with KL-related conditions. Advanced modeling of protein sequence and biophysical properties (such as structural, functional, and spatial information, amino acid conservation, physicochemical variation, residue mobility, and thermodynamic stability) performed at Invitae indicates that this missense variant is not expected to disrupt KL protein function. In summary, the available evidence is currently insufficient to determine the role of this variant in disease. Therefore, it has been classified as a Variant of Uncertain Significance.